The following is an entry in ClinVar:

NM_001197104.2(KMT2A):c.5513C>A (p.Pro1838Gln)

Gene: KMT2A (lysine methyltransferase 2A; plus strand). Cytogenetic location: 11q23.3.
Variant type: single nucleotide variant.
Coding change: c.5513C>A on transcript NM_001197104.2 (MANE Select); coding-DNA position 5513, C replaced by A.
Protein change: p.Pro1838Gln; replaces proline 1838 with glutamine.
Molecular consequence: missense variant.
Genome position (GRCh38, 1-based): chr11:118,495,849, C>A. VCF-style: chr11-118495849-C-A. GRCh37 (hg19) VCF-style: chr11-118366564-C-A.
Other names: c.5603C>A, p.Pro1868Gln (NM_001412597.1); c.5504C>A, p.Pro1835Gln (NM_005933.4); short protein forms P1835Q, P1838Q, P1868Q.
Identifiers: ClinVar variation 3674078 (VCV003674078.2).
Genomic context (GRCh38, chr11:118,495,849, plus strand): 5'-AGCAGCCTCCTTTAATGAAGAAAATCATTCCAGCTCCCAAACCCAAAGGTCCTGGAGAAC[C>A]AGACTCACCAACTCCTCTGCATCCTCCTACACCACCAATTTTGAGTAAGCCACCAAAAGG-3'
Protein context (NP_001184033.1, residues 1828-1848): PAPKPKGPGE[Pro1838Gln]DSPTPLHPPT

ClinVar aggregate classification (germline): Uncertain significance (1 of 4 stars; one submission).

Submission:

Labcorp Genetics (formerly Invitae), Labcorp
Classification: Uncertain significance. Last evaluated: 2024-02-02. Review status: criteria provided, single submitter. Criteria: Invitae Variant Classification Sherloc (09022015). Collection method: clinical testing. Allele origin: germline.
Comment: This sequence change replaces proline, which is neutral and non-polar, with glutamine, which is neutral and polar, at codon 1838 of the KMT2A protein (p.Pro1838Gln). This variant is not present in population databases (gnomAD no frequency). This variant has not been reported in the literature in individuals affected with KMT2A-related conditions. Advanced modeling of protein sequence and biophysical properties (such as structural, functional, and spatial information, amino acid conservation, physicochemical variation, residue mobility, and thermodynamic stability) has been performed at Invitae for this missense variant, however the output from this modeling did not meet the statistical confidence thresholds required to predict the impact of this variant on KMT2A protein function. In summary, the available evidence is currently insufficient to determine the role of this variant in disease. Therefore, it has been classified as a Variant of Uncertain Significance.